The following is an entry in ClinVar:

NM_000057.4(BLM):c.320T>C (p.Leu107Ser)

Gene: BLM (BLM RecQ like helicase; plus strand). Cytogenetic location: 15q26.1.
Variant type: single nucleotide variant.
Coding change: c.320T>C on transcript NM_000057.4 (MANE Select); coding-DNA position 320, T replaced by C.
Protein change: p.Leu107Ser; replaces leucine 107 with serine.
Molecular consequence: missense variant. On other transcripts: 5 prime UTR variant (1).
Genome position (GRCh38, 1-based): chr15:90,749,588, T>C. VCF-style: chr15-90749588-T-C. GRCh37 (hg19) VCF-style: chr15-91292818-T-C.
Other names: c.320T>C, p.Leu107Ser (NM_001287246.2, NM_001287247.2); c.-972T>C (NM_001287248.2); short protein forms L107S.
Identifiers: ClinVar variation 3824462 (VCV003824462.1).

ClinVar aggregate classification (germline): Uncertain significance (1 of 4 stars; one submission).

Conditions:
Hereditary cancer-predisposing syndrome. Also called: Hereditary neoplastic syndrome; Neoplastic Syndromes, Hereditary; Tumor predisposition; Hereditary Cancer Syndrome. Identifiers: Orphanet 140162, MedGen C0027672, MeSH D009386, MONDO:0015356.

Submission:

Ambry Genetics
Classification: Uncertain significance for Hereditary cancer-predisposing syndrome. Last evaluated: 2025-02-01. Review status: criteria provided, single submitter. Criteria: Ambry Variant Classification Scheme 2023. Collection method: clinical testing. Allele origin: germline.
Comment: The p.L107S variant (also known as c.320T>C), located in coding exon 2 of the BLM gene, results from a T to C substitution at nucleotide position 320. The leucine at codon 107 is replaced by serine, an amino acid with dissimilar properties. This amino acid position is conserved. In addition, this alteration is predicted to be tolerated by in silico analysis. Based on the available evidence, the clinical significance of this variant remains unclear.